The following is an entry in ClinVar:

NM_022124.6(CDH23):c.2251G>A (p.Gly751Arg)

Gene: CDH23 (cadherin related 23; plus strand). Cytogenetic location: 10q22.1.
Variant type: single nucleotide variant.
Coding change: c.2251G>A on transcript NM_022124.6 (MANE Select); coding-DNA position 2251, G replaced by A.
Protein change: p.Gly751Arg; replaces glycine 751 with arginine.
Molecular consequence: missense variant.
Genome position (GRCh38, 1-based): chr10:71,694,221, G>A. VCF-style: chr10-71694221-G-A. GRCh37 (hg19) VCF-style: chr10-73453978-G-A.
Other names: c.2251G>A, p.Gly751Arg (NM_001171930.2, NM_001171931.2); short protein forms G751R.
Identifiers: ClinVar variation 967827 (VCV000967827.8), dbSNP rs41281306, ClinGen allele CA5544139.
Genomic context (GRCh38, chr10:71,694,221, plus strand): 5'-ACGTCTCTGCTTGACCGAGAGACCAAGTCTGAATACATCCTCATCGTTCGCGCAGTGGAC[G>A]GGGGTGTGGGCCACAACCAGAAAACTGGCATCGCCACCGTGAGTGCGCTCCCCTCCCGTG-3'
Protein context (NP_071407.4, residues 741-761): EYILIVRAVD[Gly751Arg]GVGHNQKTGI

ClinVar aggregate classification (germline): Uncertain significance. Review status: criteria provided, multiple submitters, no conflicts (2 of 4 stars). 6 submissions from 6 submitters: Uncertain significance (5). 1 of the submissions does not count toward it. Last evaluated 2026-01-26.

Conditions:
CDH23-related disorder. Also called: CDH23-related disorders; CDH23-related condition.
Pituitary adenoma 5, multiple types. Identifiers: MedGen C4539685, MONDO:0054601, OMIM 617540.
Usher syndrome type 1D (USH1D). Also called: USHER SYNDROME, TYPE ID. Identifiers: Orphanet 231169, Orphanet 886, MedGen C1832845, MONDO:0010984, OMIM 601067.
Autosomal recessive nonsyndromic hearing loss 12. Also called: DEAFNESS, AUTOSOMAL RECESSIVE 12. Identifiers: Orphanet 90636, MedGen C1832394, MONDO:0011067, OMIM 601386.
Usher syndrome type 1 (USH1). Also called: RETINITIS PIGMENTOSA AND CONGENITAL DEAFNESS. Identifiers: Orphanet 231169, Orphanet 886, MedGen C1568247, MONDO:0010168, OMIM 276900.

Allele frequency attached by ClinVar (database versions not stated): gnomAD 0.00004 and 0.00005; ExAC 0.00006; TOPMed 0.00006; gnomAD exomes 0.00007; ESP Exome Variant Server 0.00008; 1000 Genomes Project 30x 0.00016; 1000 Genomes Project 0.00020.
gnomAD v4.1: 170 of 1,613,388 alleles (0.011%); highest among the groups gnomAD compares: Non-Finnish European, 0.013%; no homozygotes.

Submissions (6):

PreventionGenetics, part of Exact Sciences
Classification: Uncertain significance for CDH23-related condition. Last evaluated: 2026-01-26. Review status: criteria provided, single submitter. Criteria: ACMG Guidelines, 2015. Collection method: clinical testing. Allele origin: germline.
Comment: The CDH23 c.2251G>A variant is predicted to result in the amino acid substitution p.Gly751Arg. This variant was reported in an individual with hearing loss without information on a second potentially causative variant (Table S4, Sloan-Heggen et al. 2015. PubMed ID: 26445815) and in a patient with retinal disease with potentially causative variants in another gene (Table S1, Maltese et al. 2022. PubMed ID: 35836572). This variant is reported in 0.011% of alleles in individuals of Latino descent in gnomAD. At this time, the clinical significance of this variant is uncertain due to the absence of conclusive functional and genetic evidence.

Blueprint Genetics
Classification: Uncertain significance. Last evaluated: 2024-09-18. Review status: criteria provided, single submitter. Criteria: ACMG Guidelines, 2015. Collection method: clinical testing. Allele origin: germline.

Labcorp Genetics (formerly Invitae), Labcorp
Classification: Uncertain significance. Last evaluated: 2022-08-10. Review status: criteria provided, single submitter. Criteria: Invitae Variant Classification Sherloc (09022015). Collection method: clinical testing. Allele origin: germline.
Comment: This sequence change replaces glycine, which is neutral and non-polar, with arginine, which is basic and polar, at codon 751 of the CDH23 protein (p.Gly751Arg). This variant is present in population databases (rs41281306, gnomAD 0.01%). This missense change has been observed in individual(s) with non-syndromic deafness (PMID: 26445815). ClinVar contains an entry for this variant (Variation ID: 967827). Algorithms developed to predict the effect of missense changes on protein structure and function are either unavailable or do not agree on the potential impact of this missense change (SIFT: "Deleterious"; PolyPhen-2: "Not Available"; Align-GVGD: "Class C0"). In summary, the available evidence is currently insufficient to determine the role of this variant in disease. Therefore, it has been classified as a Variant of Uncertain Significance.

Fulgent Genetics
Classification: Uncertain significance for Usher syndrome type 1D; Autosomal recessive nonsyndromic hearing loss 12; Pituitary adenoma 5, multiple types. Last evaluated: 2022-04-20. Review status: criteria provided, single submitter. Criteria: ACMG Guidelines, 2015. Collection method: clinical testing. Allele origin: unknown.

GeneDx
Classification: Uncertain significance. Last evaluated: 2020-09-29. Review status: criteria provided, single submitter. Criteria: GeneDx Variant Classification (06012015). Collection method: clinical testing. Allele origin: germline. Affected: yes.
Comment: Identified in a patient with post-lingual nonsyndromic hearing loss in published literature (Sloan-Heggen et al., 2015); In silico analysis supports that this missense variant has a deleterious effect on protein structure/function; Observed in 0.0071% (20/279970 alleles) n large population cohorts (Lek et al., 2016)

Natera, Inc.
Classification: Uncertain significance for Usher syndrome type 1. Last evaluated: 2020-01-24. Review status: no assertion criteria provided. Collection method: clinical testing. Allele origin: germline. Not counted in ClinVar's aggregate classification.

Literature cited by the submitters: PubMed 26445815 (cited by Labcorp Genetics (formerly Invitae), Labcorp).